The following is an entry in ClinVar:

ClinVar aggregate classification (germline): Uncertain significance (1 of 4 stars; one submission).

Conditions:
Primary ciliary dyskinesia. Also called: Ciliary dyskinesia. Identifiers: Orphanet 244, MedGen C0008780, MONDO:0016575, HP:0012265.

Allele frequency attached by ClinVar (database versions not stated): TOPMed below 0.00001; gnomAD exomes 0.00001.
gnomAD v4.1: 9 of 1,611,930 alleles (0.00056%); highest among the groups gnomAD compares: Admixed American, 0.0017%; no homozygotes.

Submission:

Ambry Genetics
Classification: Uncertain significance for Primary ciliary dyskinesia. Last evaluated: 2023-12-21. Review status: criteria provided, single submitter. Criteria: Ambry Variant Classification Scheme 2023. Collection method: clinical testing. Allele origin: germline.
Comment: The p.N87S variant (also known as c.260A>G), located in coding exon 2 of the ARMC4 gene, results from an A to G substitution at nucleotide position 260. The asparagine at codon 87 is replaced by serine, an amino acid with highly similar properties. This amino acid position is conserved. In addition, this alteration is predicted to be tolerated by in silico analysis. Since supporting evidence is limited at this time, the clinical significance of this alteration remains unclear.

NM_018076.5(ODAD2):c.260A>G (p.Asn87Ser)

Gene: ODAD2 (outer dynein arm docking complex subunit 2; minus strand). Cytogenetic location: 10p12.1.
Variant type: single nucleotide variant.
Coding change: c.260A>G on transcript NM_018076.5 (MANE Select); coding-DNA position 260, A replaced by G.
Protein change: p.Asn87Ser; replaces asparagine 87 with serine.
Molecular consequence: missense variant.
Genome position (GRCh38, 1-based): chr10:27,987,508, T>C on the plus strand (A>G on the coding strand, the complement: ODAD2 is on the minus strand). VCF-style: chr10-27987508-T-C. GRCh37 (hg19) VCF-style: chr10-28276437-T-C.
Other names: c.260A>G, p.Asn87Ser (NM_001290020.2); short protein forms N87S.
Identifiers: ClinVar variation 3227117 (VCV003227117.1), dbSNP rs1465895645, ClinGen allele CA376397735.